The following is an entry in ClinVar:

NM_001386393.1(PANK2):c.519C>A (p.His173Gln)

Gene: PANK2 (pantothenate kinase 2; plus strand). Cytogenetic location: 20p13.
Variant type: single nucleotide variant.
Coding change: c.519C>A on transcript NM_001386393.1 (MANE Select); coding-DNA position 519, C replaced by A.
Protein change: p.His173Gln; replaces histidine 173 with glutamine.
Molecular consequence: missense variant. On other transcripts: 5 prime UTR variant (3), intron variant (1).
Genome position (GRCh38, 1-based): chr20:3,908,146, C>A. VCF-style: chr20-3908146-C-A. GRCh37 (hg19) VCF-style: chr20-3888793-C-A.
Other names: c.-25C>A (NM_001324191.2, NM_024960.6, NM_153640.4); c.849C>A, p.His283Gln (NM_001324192.1, NM_153638.4); c.-328+11C>A (NM_001324193.2); short protein forms H173Q, H283Q.
Identifiers: ClinVar variation 1495816 (VCV001495816.6), dbSNP rs2090416889, ClinGen allele CA408112610.
Genomic context (GRCh38, chr20:3,908,146, plus strand): 5'-TCGGGACGTGCACCTCGAGCTGAAGGACCTGACTCTGTGTGGACGCAAAGGCAATCTGCA[C>A]TTTATACGCTTTCCCACTCATGACATGCCTGCTTTTATTCAAATGGGCAGAGATAAAAAC-3'
Protein context (NP_001373322.1, residues 163-183): LTLCGRKGNL[His173Gln]FIRFPTHDMP

ClinVar aggregate classification (germline): Uncertain significance (1 of 4 stars; one submission).

Conditions:
Pigmentary pallidal degeneration (NBIA1). Also called: PKAN NEUROAXONAL DYSTROPHY, JUVENILE-ONSET; HARP SYNDROME; Pantothenate Kinase-Associated Neurodegeneration; Neuroaxonal dystrophy, late infantile; Hallervorden-Spatz disease; Neurodegeneration with brain iron accumulation 1. Identifiers: Orphanet 157850, MedGen C0018523, MONDO:0009319, OMIM 234200.

Submission:

Labcorp Genetics (formerly Invitae), Labcorp
Classification: Uncertain significance for Pigmentary pallidal degeneration. Last evaluated: 2022-02-15. Review status: criteria provided, single submitter. Criteria: Invitae Variant Classification Sherloc (09022015). Collection method: clinical testing. Allele origin: germline.
Comment: In summary, the available evidence is currently insufficient to determine the role of this variant in disease. Therefore, it has been classified as a Variant of Uncertain Significance. This variant disrupts the p.His283 amino acid residue in PANK2. Other variant(s) that disrupt this residue have been observed in individuals with PANK2-related conditions (PMID: 16157712), which suggests that this may be a clinically significant amino acid residue. Algorithms developed to predict the effect of missense changes on protein structure and function are either unavailable or do not agree on the potential impact of this missense change (SIFT: "Deleterious"; PolyPhen-2: "Probably Damaging"; Align-GVGD: "Class C0"). This missense change has been observed in individual(s) with pantothenate kinase-associated neurodegeneration (PMID: 22416811). This variant is not present in population databases (gnomAD no frequency). This sequence change replaces histidine, which is basic and polar, with glutamine, which is neutral and polar, at codon 283 of the PANK2 protein (p.His283Gln).

Literature cited by the submitters: PubMed 16157712; PubMed 22416811.